The following is an entry in ClinVar:

ClinVar aggregate classification (germline): Pathogenic. Review status: criteria provided, multiple submitters, no conflicts (2 of 4 stars). 5 submissions from 5 submitters: Pathogenic (3). 2 of the submissions do not count toward it. Last evaluated 2025-12-26.

Conditions:
Polycystic kidney disease 4 (PKD4). Also called: POLYCYSTIC KIDNEY AND HEPATIC DISEASE 1; POLYCYSTIC KIDNEY DISEASE, INFANTILE, TYPE I; POLYCYSTIC KIDNEY DISEASE 4 WITH OR WITHOUT POLYCYSTIC LIVER DISEASE; Autosomal Recessive Polycystic Kidney Disease – PKHD1; PKD3. Identifiers: MedGen C4540575, MONDO:0033004, OMIM 263200.
PKHD1-related disorder. Also called: PKHD1-related condition.
Autosomal recessive polycystic kidney disease (ARPKD). Also called: AR polycystic kidney disease. Identifiers: Orphanet 731, Orphanet 8378, MedGen C0085548, MeSH D017044, MONDO:0009889.

Submissions (5):

Natera, Inc.
Classification: Pathogenic for Autosomal recessive polycystic kidney disease. Last evaluated: 2025-12-26. Review status: criteria provided, single submitter. Criteria: Natera Variant Classification Schema (03/2026). Collection method: clinical testing. Allele origin: germline.
Comment: The c.5411delG variant in PKHD1 is a frameshift variant predicted to shift the reading frame beginning at codon 1804 and leads to a stop codon 18 codons downstream. This variant is expected to result in nonsense mediated decay, truncation, or a dysfunctional protein product. This variant is rare in the general population with a frequency below the threshold expected for the associated phenotype(s). This variant has been observed in one or more individuals affected with the associated recessive disease, as either homozygous or compound heterozygous with a second variant (PMID: 24162162). Given the available evidence, this variant is classified as Pathogenic.

GeneDx
Classification: Pathogenic. Last evaluated: 2025-03-12. Review status: criteria provided, single submitter. Criteria: GeneDx Variant Classification Process June 2021. Collection method: clinical testing. Allele origin: germline. Affected: yes.
Comment: Frameshift variant predicted to result in protein truncation or nonsense mediated decay in a gene for which loss of function is a known mechanism of disease; Not observed at significant frequency in large population cohorts (gnomAD); This variant is associated with the following publications: (PMID: 31589614, 24162162)

Labcorp Genetics (formerly Invitae), Labcorp
Classification: Pathogenic for Autosomal recessive polycystic kidney disease. Last evaluated: 2022-02-04. Review status: criteria provided, single submitter. Criteria: Invitae Variant Classification Sherloc (09022015). Collection method: clinical testing. Allele origin: germline.
Comment: For these reasons, this variant has been classified as Pathogenic. ClinVar contains an entry for this variant (Variation ID: 458602). This premature translational stop signal has been observed in individual(s) with autosomal recessive polycystic kidney disease (PMID: 24162162). This variant is not present in population databases (gnomAD no frequency). This sequence change creates a premature translational stop signal (p.Arg1804Leufs*18) in the PKHD1 gene. It is expected to result in an absent or disrupted protein product. Loss-of-function variants in PKHD1 are known to be pathogenic (PMID: 19940839).

PreventionGenetics, part of Exact Sciences
Classification: Pathogenic for PKHD1-related condition. Last evaluated: 2024-01-02. Review status: no assertion criteria provided. Collection method: clinical testing. Allele origin: germline. Not counted in ClinVar's aggregate classification.
Comment: The PKHD1 c.5411delG variant is predicted to result in a frameshift and premature protein termination (p.Arg1804Leufs*18). This variant was reported to be causative for autosomal recessive polycystic kidney disease (Table 1, Krall et al. 2014. PubMed ID: 24162162). This variant has not been reported in a large population database, indicating this variant is rare. Frameshift variants in PKHD1 are expected to be pathogenic. This variant is interpreted as pathogenic.

Counsyl
Classification: Likely pathogenic for Polycystic kidney disease 4. Last evaluated: 2015-04-03. Review status: no assertion criteria provided. Collection method: clinical testing. Allele origin: unknown. Not counted in ClinVar's aggregate classification.

Literature cited by the submitters: PubMed 24162162 (cited by 3 submitters); PubMed 19940839 (cited by Labcorp Genetics (formerly Invitae), Labcorp).

NM_138694.4(PKHD1):c.5411del (p.Arg1804fs)

Gene: PKHD1 (PKHD1 ciliary IPT domain containing fibrocystin/polyductin; minus strand). Cytogenetic location: 6p12.2.
Variant type: Deletion.
Coding change: c.5411del on transcript NM_138694.4 (MANE Select); coding-DNA position 5411, one base deleted (G; older notation c.5411delG).
Protein change: p.Arg1804fs; shifts the reading frame from arginine 1804.
Molecular consequence: frameshift variant.
Genome position (GRCh38, 1-based): chr6:52,017,599, C deleted on the plus strand (G on the coding strand, the reverse complement: PKHD1 is on the minus strand). VCF-style (leftmost placement, unchanged base first): chr6-52017598-AC-A. GRCh37 (hg19) VCF-style: chr6-51882396-AC-A.
Other names: c.5411del, p.Arg1804fs (NM_170724.3); c.5411del (NM_138694.3); short protein forms R1804fs.
Identifiers: ClinVar variation 458602 (VCV000458602.21), dbSNP rs1554194574, ClinGen allele CA658657597.